The following is an entry in ClinVar:

NM_001164405.2(BHLHA9):c.251C>T (p.Ala84Val)

Gene: BHLHA9 (basic helix-loop-helix family member a9; plus strand). Cytogenetic location: 17p13.3.
Variant type: single nucleotide variant.
Coding change: c.251C>T on transcript NM_001164405.2 (MANE Select); coding-DNA position 251, C replaced by T.
Protein change: p.Ala84Val; replaces alanine 84 with valine.
Molecular consequence: missense variant.
Genome position (GRCh38, 1-based): chr17:1,270,814, C>T. VCF-style: chr17-1270814-C-T. GRCh37 (hg19) VCF-style: chr17-1174108-C-T.
Other names: short protein forms A84V.
Identifiers: ClinVar variation 1309816 (VCV001309816.3), dbSNP rs964527970, ClinGen allele CA286779042.

ClinVar aggregate classification (germline): Conflicting classifications of pathogenicity. Review status: criteria provided, conflicting classifications (1 of 4 stars). 2 submissions from 2 submitters: Pathogenic (1); Uncertain significance (1). Last evaluated 2024-08-09.

Conditions:
BHLHA9-related disorder. Also called: BHLHA9-related condition.

Allele frequency attached by ClinVar (database versions not stated): gnomAD exomes 0.00007.

Submissions (2):

Blueprint Genetics
Classification: Pathogenic for BHLHA9-related disorders. Last evaluated: 2024-08-09. Review status: criteria provided, single submitter. Criteria: ACMG Guidelines, 2015. Collection method: clinical testing. Allele origin: germline. Affected: yes. Observed: 5 variant alleles.

GeneDx
Classification: Uncertain significance. Last evaluated: 2019-11-21. Review status: criteria provided, single submitter. Criteria: GeneDx Variant Classification Process June 2021. Collection method: clinical testing. Allele origin: germline. Affected: yes.
Comment: In silico analysis, which includes protein predictors and evolutionary conservation, supports a deleterious effect; Has not been previously published as pathogenic or benign to our knowledge